The following is an entry in ClinVar:

NM_002485.5(NBN):c.1534G>A (p.Glu512Lys)

Gene: NBN (nibrin; minus strand). Cytogenetic location: 8q21.3.
Variant type: single nucleotide variant.
Coding change: c.1534G>A on transcript NM_002485.5 (MANE Select); coding-DNA position 1534, G replaced by A.
Protein change: p.Glu512Lys; replaces glutamic acid 512 with lysine.
Molecular consequence: missense variant.
Genome position (GRCh38, 1-based): chr8:89,953,555, C>T on the plus strand (G>A on the coding strand, the complement: NBN is on the minus strand). VCF-style: chr8-89953555-C-T. GRCh37 (hg19) VCF-style: chr8-90965783-C-T.
Other names: c.1288G>A, p.Glu430Lys (NM_001024688.3); short protein forms E512K, E430K.
Identifiers: ClinVar variation 1434879 (VCV001434879.4), dbSNP rs1554558445, ClinGen allele CA371655650.

ClinVar aggregate classification (germline): Uncertain significance. Review status: criteria provided, multiple submitters, no conflicts (2 of 4 stars). 2 submissions from 2 submitters: Uncertain significance (2). Last evaluated 2023-05-05.

Conditions:
Microcephaly, normal intelligence and immunodeficiency (NBS). Also called: Ataxia telangiectasia variant V1; IMMUNODEFICIENCY, MICROCEPHALY, AND CHROMOSOMAL INSTABILITY; BERLIN BREAKAGE SYNDROME; Immunodeficiency, microcephaly with normal intelligence; SEEMANOVA SYNDROME II; Nijmegen breakage syndrome. Identifiers: Orphanet 647, MedGen C0398791, MONDO:0009623, OMIM 251260.
Aplastic anemia. Identifiers: Orphanet 182040, Orphanet 88, MedGen C0002874, MONDO:0015909, OMIM 609135, HP:0001915.

Submissions (2):

Baylor Genetics
Classification: Uncertain significance for Aplastic anemia. Last evaluated: 2023-05-05. Review status: criteria provided, single submitter. Criteria: ACMG Guidelines, 2015. Collection method: clinical testing. Allele origin: unknown.

Labcorp Genetics (formerly Invitae), Labcorp
Classification: Uncertain significance for Microcephaly, normal intelligence and immunodeficiency. Last evaluated: 2021-08-24. Review status: criteria provided, single submitter. Criteria: Invitae Variant Classification Sherloc (09022015). Collection method: clinical testing. Allele origin: germline.
Comment: This sequence change replaces glutamic acid with lysine at codon 512 of the NBN protein (p.Glu512Lys). The glutamic acid residue is weakly conserved and there is a small physicochemical difference between glutamic acid and lysine. This variant is not present in population databases (ExAC no frequency). This variant has not been reported in the literature in individuals affected with NBN-related conditions. Algorithms developed to predict the effect of missense changes on protein structure and function output the following: SIFT: "Tolerated"; PolyPhen-2: "Benign"; Align-GVGD: "Class C0". The lysine amino acid residue is found in multiple mammalian species, which suggests that this missense change does not adversely affect protein function. In summary, the available evidence is currently insufficient to determine the role of this variant in disease. Therefore, it has been classified as a Variant of Uncertain Significance.